The following is an entry in ClinVar:

NM_004629.2(FANCG):c.203C>A (p.Pro68His)

Gene: FANCG (FA complementation group G; minus strand). Cytogenetic location: 9p13.3.
Variant type: single nucleotide variant.
Coding change: c.203C>A on transcript NM_004629.2 (MANE Select); coding-DNA position 203, C replaced by A.
Protein change: p.Pro68His; replaces proline 68 with histidine.
Molecular consequence: missense variant.
Genome position (GRCh38, 1-based): chr9:35,078,709, G>T on the plus strand (C>A on the coding strand, the complement: FANCG is on the minus strand). VCF-style: chr9-35078709-G-T. GRCh37 (hg19) VCF-style: chr9-35078706-G-T.
Other names: short protein forms P68H.
Identifiers: ClinVar variation 4870999 (VCV004870999.1).

ClinVar aggregate classification (germline): Uncertain significance (1 of 4 stars; one submission).

Conditions:
Inborn genetic diseases. Identifiers: MedGen C0950123, MeSH D030342.

Submission:

Ambry Genetics
Classification: Uncertain significance for Inborn genetic diseases. Last evaluated: 2026-05-14. Review status: criteria provided, single submitter. Criteria: Ambry Variant Classification Scheme 2023. Collection method: clinical testing. Allele origin: germline.
Comment: The p.P68H variant (also known as c.203C>A), located in coding exon 3 of the FANCG gene, results from a C to A substitution at nucleotide position 203. The proline at codon 68 is replaced by histidine, an amino acid with similar properties. This amino acid position is conserved. In addition, the in silico prediction for this alteration is inconclusive. Based on the available evidence, the clinical significance of this variant remains unclear.